The following is an entry in ClinVar:

ClinVar aggregate classification (germline): Uncertain significance. Review status: criteria provided, multiple submitters, no conflicts (2 of 4 stars). 2 submissions from 2 submitters: Uncertain significance (2). Last evaluated 2024-12-10.

Conditions:
Charcot-Marie-Tooth disease type 2. Also called: Charcot-Marie-Tooth type 2. Identifiers: Orphanet 64746, MedGen C0270914, MONDO:0018993.

Allele frequency attached by ClinVar (database versions not stated): gnomAD exomes below 0.00001.
gnomAD v4.1: 1 of 1,614,112 alleles (0.000062%); highest among the groups gnomAD compares: Non-Finnish European, 0.000085%; no homozygotes.

Submissions (2):

Labcorp Genetics (formerly Invitae), Labcorp
Classification: Uncertain significance for Charcot-Marie-Tooth disease type 2. Last evaluated: 2024-12-10. Review status: criteria provided, single submitter. Criteria: Invitae Variant Classification Sherloc (09022015). Collection method: clinical testing. Allele origin: germline.
Comment: This sequence change replaces threonine, which is neutral and polar, with alanine, which is neutral and non-polar, at codon 348 of the AARS protein (p.Thr348Ala). This variant is present in population databases (no rsID available, gnomAD 0.0009%). This variant has not been reported in the literature in individuals affected with AARS-related conditions. ClinVar contains an entry for this variant (Variation ID: 1682259). Invitae Evidence Modeling of protein sequence and biophysical properties (such as structural, functional, and spatial information, amino acid conservation, physicochemical variation, residue mobility, and thermodynamic stability) indicates that this missense variant is not expected to disrupt AARS protein function with a negative predictive value of 95%. In summary, the available evidence is currently insufficient to determine the role of this variant in disease. Therefore, it has been classified as a Variant of Uncertain Significance.

GeneDx
Classification: Uncertain significance. Last evaluated: 2022-02-25. Review status: criteria provided, single submitter. Criteria: GeneDx Variant Classification Process June 2021. Collection method: clinical testing. Allele origin: germline. Affected: yes.
Comment: Not observed at significant frequency in large population cohorts (gnomAD); In silico analysis supports that this missense variant does not alter protein structure/function; Has not been previously published as pathogenic or benign to our knowledge

NM_001605.3(AARS1):c.1042A>G (p.Thr348Ala)

Gene: AARS1 (alanyl-tRNA synthetase 1; minus strand). Cytogenetic location: 16q22.1.
Variant type: single nucleotide variant.
Coding change: c.1042A>G on transcript NM_001605.3 (MANE Select); coding-DNA position 1042, A replaced by G.
Protein change: p.Thr348Ala; replaces threonine 348 with alanine.
Molecular consequence: missense variant.
Genome position (GRCh38, 1-based): chr16:70,268,300, T>C on the plus strand (A>G on the coding strand, the complement: AARS1 is on the minus strand). VCF-style: chr16-70268300-T-C. GRCh37 (hg19) VCF-style: chr16-70302203-T-C.
Other names: short protein forms T348A.
Identifiers: ClinVar variation 1682259 (VCV001682259.8), dbSNP rs1483525127, ClinGen allele CA396564137.
Genomic context (GRCh38, chr16:70,268,300, plus strand): 5'-CACAGAAGGGTAAGCAGAGAAATAAACCTACCAGGGACTGGACGACAACATCCACTAACG[T>C]AGCAAAGAAGCCCCTGCTGGCATTGAGCTTTTCATGGGCGTATCGGACAGCTCGGCGGAG-3'
Protein context (NP_001596.2, residues 338-358): KLNASRGFFA[Thr348Ala]LVDVVVQSLG